The following continues an entry in ClinVar:

NM_000277.3(PAH):c.1208C>T (p.Ala403Val)

Gene: PAH. ClinVar aggregate classification (germline): Pathogenic. Pathogenic (1).

Submissions 45 to 47 of 47:

Department of Pathology and Laboratory Medicine, Sinai Health System
Classification: Pathogenic. Review status: no assertion criteria provided. Collection method: clinical testing. Allele origin: unknown. Affected: yes. Study: The Canadian Open Genetics Repository (COGR). Not counted in ClinVar's aggregate classification.
Comment: The PAH p.Ala403Val variant has been reported in multiple individuals with Phenylketonuria (PKU) from Italian, Argentine, Slovak, French, Russian and Israeli backgrounds; this variant is generally associated with a mild phenotype, as well as non-PKU mild hyperphenylalaninemia in one homozygote (Gundorova_2019_PMID:30668579, Jeannesson-Thivisol_2015_PMID:26666653, Bercovich_2008_PMID:18299955, Bardelli_2002_PMID:12409276 , Polak_2013_PMID:23764561, Enacan_2019, Daniele_2009_PMID_19292873). The variant was identified in dbSNP (ID: rs5030857) and ClinVar (classified as pathogenic for Phenylketonuria by ClinGen PAH Variant Curation Expert Panel, Laboratory for Molecular Medicine, Invitae and 12 other laboratories). The variant was identified in control databases in 164 of 282804 chromosomes at a frequency of 0.0005799 (Genome Aggregation Database March 6, 2019, v2.1.1). The variant was observed in the following populations: Ashkenazi Jewish in 53 of 10368 chromosomes (freq: 0.005112), European (non-Finnish) in 96 of 129168 chromosomes (freq: 0.000743), Other in 3 of 7228 chromosomes (freq: 0.000415), Latino in 8 of 35394 chromosomes (freq: 0.000226), African in 3 of 24958 chromosomes (freq: 0.00012) and South Asian in 1 of 30614 chromosomes (freq: 0.000033), but was not observed in the East Asian or European (Finnish) populations. The p.Ala403 residue is conserved across mammals and other organisms, and computational analyses (PolyPhen-2, SIFT, AlignGVGD, BLOSUM, MutationTaster) suggest that the variant may impact the protein; however, this information is not predictive enough to assume pathogenicity. The variant occurs outside of the splicing consensus sequence and 2 of 4 in silico or computational prediction software programs (SpliceSiteFinder, MaxEntScan, NNSPLICE, GeneSplicer) predict a greater than 10% difference in splicing; this is not very predictive of pathogenicity. Functional studies of the p.A403V variant have demonstrated reduced enzyme activity (only 43Â¬Â±4% of wild-type enzyme activity), altered oligomerization and lower inferred melting temperatures compared to the wild type protein indicating a loss in stability (Cerreto_2011_PMID:21820508). There is also evidence that patients with this variant would likely respond to BH4, a compound that helps convert phenylalanine to other essential molecules in the body (Cerreto_2011_PMID:21820508; Daniele_2008_PMID:18346471; Gundorova_2019_PMID:30668579; Bardelli_2002_PMID:12409276; Polak_2013_PMID:23764561). In summary, based on the above information this variant meets our laboratoryâ€šÃ„Ã´s criteria to be classified as pathogenic.

Diagnostic Laboratory, Department of Genetics, University Medical Center Groningen
Classification: Pathogenic for Phenylketonuria. Review status: no assertion criteria provided. Collection method: clinical testing. Allele origin: germline. Affected: yes. Study: VKGL Data-share Consensus. Not counted in ClinVar's aggregate classification.

Genome Diagnostics Laboratory, Amsterdam University Medical Center
Classification: Pathogenic. Review status: no assertion criteria provided. Collection method: clinical testing. Allele origin: germline. Affected: yes. Study: VKGL Data-share Consensus. Not counted in ClinVar's aggregate classification.

Literature cited by the submitters: PubMed 21820508 (cited by 8 submitters); PubMed 9429153 (cited by 6 submitters); PubMed 8268925 (cited by 7 submitters); PubMed 2575001 (cited by Labcorp Genetics (formerly Invitae), Labcorp); PubMed 8739972 (cited by 5 submitters); PubMed 8830172 (cited by Labcorp Genetics (formerly Invitae), Labcorp); PubMed 17096675 (cited by 4 submitters); PubMed 25596310 (cited by 4 submitters); PubMed 23500595 (cited by 7 submitters); PubMed 23559577 (cited by 3 submitters); PubMed 37421234 (cited by Variantyx, Inc. and Quest Diagnostics Nichols Institute San Juan Capistrano); PubMed 34828281 (cited by Variantyx, Inc.); PubMed 11486900 (cited by 4 submitters); PubMed 10479481 (cited by 7 submitters); PubMed 30037505 (cited by 4 submitters); PubMed 12655553 (cited by Ambry Genetics and Illumina Laboratory Services, Illumina); PubMed 15171997 (cited by Ambry Genetics); PubMed 17935162 (cited by 6 submitters); PubMed 18294361 (cited by Ambry Genetics); PubMed 27121329 (cited by Ambry Genetics); PubMed 36380532 (cited by Ambry Genetics and 3billion); PubMed 26481238 (cited by 3billion); PubMed 30667134 (cited by Quest Diagnostics Nichols Institute San Juan Capistrano and AiLife Diagnostics); PubMed 23430547 (cited by 5 submitters); PubMed 33465300 (cited by Quest Diagnostics Nichols Institute San Juan Capistrano and AiLife Diagnostics); PubMed 31980526 (cited by Quest Diagnostics Nichols Institute San Juan Capistrano and AiLife Diagnostics); PubMed 33101986 (cited by Quest Diagnostics Nichols Institute San Juan Capistrano and AiLife Diagnostics); PubMed 32668217 (cited by Quest Diagnostics Nichols Institute San Juan Capistrano and AiLife Diagnostics); PubMed 30747360 (cited by Quest Diagnostics Nichols Institute San Juan Capistrano and AiLife Diagnostics); PubMed 38731816 (cited by Quest Diagnostics Nichols Institute San Juan Capistrano); PubMed 38532509 (cited by Quest Diagnostics Nichols Institute San Juan Capistrano); PubMed 36537053 (cited by Quest Diagnostics Nichols Institute San Juan Capistrano); PubMed 35405047 (cited by Quest Diagnostics Nichols Institute San Juan Capistrano); PubMed 8889590 (cited by Quest Diagnostics Nichols Institute San Juan Capistrano); PubMed 9634518 (cited by Quest Diagnostics Nichols Institute San Juan Capistrano); PubMed 16290003 (cited by Quest Diagnostics Nichols Institute San Juan Capistrano); PubMed 12655550 (cited by Women's Health and Genetics/Laboratory Corporation of America, LabCorp); PubMed 21953985 (cited by 3 submitters); PubMed 22526846 (cited by 3 submitters); PubMed 22513348 (cited by Laboratory for Molecular Medicine, Mass General Brigham Personalized Medicine and Myriad Genetics, Inc.); PubMed 23764561 (cited by Laboratory for Molecular Medicine, Mass General Brigham Personalized Medicine); PubMed 22330942 (cited by Laboratory for Molecular Medicine, Mass General Brigham Personalized Medicine); PubMed 12640344 (cited by Laboratory for Molecular Medicine, Mass General Brigham Personalized Medicine); PubMed 24350308 (cited by 3 submitters); PubMed 12409276 (cited by Laboratory for Molecular Medicine, Mass General Brigham Personalized Medicine); PubMed 32778825 (cited by AiLife Diagnostics); PubMed 32801363 (cited by AiLife Diagnostics); PubMed 31589614 (cited by AiLife Diagnostics); PubMed 25750018 (cited by AiLife Diagnostics); PubMed 30487145 (cited by AiLife Diagnostics); PubMed 12644360 (cited by AiLife Diagnostics and Division of Human Genetics, Children's Hospital of Philadelphia); PubMed 25087612 (cited by AiLife Diagnostics and Division of Human Genetics, Children's Hospital of Philadelphia); PubMed 18299955 (cited by Myriad Genetics, Inc.); PubMed 23792259 (cited by Myriad Genetics, Inc. and Illumina Laboratory Services, Illumina); PubMed 16198137 (cited by Myriad Genetics, Inc.); PubMed 19062537 (cited by Myriad Genetics, Inc. and Illumina Laboratory Services, Illumina); PubMed 11524738 (cited by Illumina Laboratory Services, Illumina).